The following is an entry in ClinVar:

ClinVar aggregate classification (germline): Pathogenic. Review status: criteria provided, multiple submitters, no conflicts (2 of 4 stars). 2 submissions from 2 submitters: Pathogenic (2). Last evaluated 2024-09-09.

Conditions:
Propionic acidemia (PROP). Also called: GLYCINEMIA, KETOTIC; HYPERGLYCINEMIA WITH KETOACIDOSIS AND LEUKOPENIA; KETOTIC HYPERGLYCINEMIA. Identifiers: Orphanet 35, MedGen C0268579, MONDO:0011628, OMIM 606054, HP:0003571.

Submissions (2):

Women's Health and Genetics/Laboratory Corporation of America, LabCorp
Classification: Pathogenic for Propionic acidemia. Last evaluated: 2024-09-09. Review status: criteria provided, single submitter. Criteria: LabCorp Variant Classification Summary - May 2015. Collection method: clinical testing. Allele origin: germline.
Comment: Variant summary: PCCB c.614T>A (p.Val205Asp) results in a non-conservative amino acid change located in the Acetyl-coenzyme A carboxyltransferase, N-terminal domain (IPR011762) of the encoded protein sequence. Five of five in-silico tools predict a damaging effect of the variant on protein function. The variant was absent in 251460 control chromosomes. c.614T>A has been reported in the literature in multiple individuals affected with Propionic Acidemia (e.g. Muro_1999). These data indicate that the variant is very likely to be associated with disease. At least one publication reports experimental evidence evaluating an impact on protein function in vitro and found the variant results in a catalytically inactive protein (e.g. Chloupkova_2002). The following publications have been ascertained in the context of this evaluation (PMID: 12007220, 10447268). ClinVar contains an entry for this variant (Variation ID: 1458708). Based on the evidence outlined above, the variant was classified as pathogenic.

Labcorp Genetics (formerly Invitae), Labcorp
Classification: Pathogenic for Propionic acidemia. Last evaluated: 2021-06-08. Review status: criteria provided, single submitter. Criteria: Invitae Variant Classification Sherloc (09022015). Collection method: clinical testing. Allele origin: germline.
Comment: This sequence change replaces valine with aspartic acid at codon 205 of the PCCB protein (p.Val205Asp). The valine residue is highly conserved and there is a large physicochemical difference between valine and aspartic acid. This variant is not present in population databases (ExAC no frequency). This variant has been observed in individual(s) with propionic acidemia (PMID: 10447268). Advanced modeling of protein sequence and biophysical properties (such as structural, functional, and spatial information, amino acid conservation, physicochemical variation, residue mobility, and thermodynamic stability) performed at Invitae indicates that this missense variant is expected to disrupt PCCB protein function. For these reasons, this variant has been classified as Pathogenic. Experimental studies have shown that this variant affects PCCB protein function (PMID: 12007220, 12757933).

Literature cited by the submitters: PubMed 12007220 (cited by Women's Health and Genetics/Laboratory Corporation of America, LabCorp and Labcorp Genetics (formerly Invitae), Labcorp); PubMed 10447268 (cited by Women's Health and Genetics/Laboratory Corporation of America, LabCorp and Labcorp Genetics (formerly Invitae), Labcorp); PubMed 12757933 (cited by Labcorp Genetics (formerly Invitae), Labcorp).

NM_000532.5(PCCB):c.614T>A (p.Val205Asp)

Gene: PCCB (propionyl-CoA carboxylase subunit beta; plus strand). Cytogenetic location: 3q22.3.
Variant type: single nucleotide variant.
Coding change: c.614T>A on transcript NM_000532.5 (MANE Select); coding-DNA position 614, T replaced by A.
Protein change: p.Val205Asp; replaces valine 205 with aspartic acid.
Molecular consequence: missense variant.
Genome position (GRCh38, 1-based): chr3:136,283,907, T>A. VCF-style: chr3-136283907-T-A. GRCh37 (hg19) VCF-style: chr3-136002749-T-A.
Other names: c.674T>A, p.Val225Asp (NM_001178014.2); short protein forms V225D, V205D.
Identifiers: ClinVar variation 1458708 (VCV001458708.9), dbSNP rs1303129574, ClinGen allele CA354641903.